The following is an entry in ClinVar:

NM_000484.4(APP):c.2212-12_2212-10del

Gene: APP (amyloid beta precursor protein; minus strand). Cytogenetic location: 21q21.3.
Variant type: Deletion.
Coding change: c.2212-12_2212-10del on transcript NM_000484.4 (MANE Select); 12 bases into the intron before coding-DNA position 2212 through 10 bases into the intron before coding-DNA position 2212, 3 bases deleted (CTT; older notation c.2212-12_2212-10delCTT).
Molecular consequence: intron variant.
Genome position (GRCh38, 1-based): chr21:25,881,781-25,881,783, AAG deleted on the plus strand (CTT on the coding strand, the reverse complement: APP is on the minus strand); deleting any 3 consecutive bases within chr21:25,881,781-25,881,784 gives the same sequence; the c. name uses the placement nearest the transcript's 3' end. VCF-style (leftmost placement, unchanged base first): chr21-25881780-CAAG-C. GRCh37 (hg19) VCF-style: chr21-27254091-CAAG-C.
Other names: c.2212-12_2212-10del (NM_000484.3); c.1882-12_1882-10del (NM_001136131.3); c.1819-12_1819-10del (NM_001136129.3); c.2044-12_2044-10del (NM_001136130.3, NM_001385253.1); c.1933-12_1933-10del (NM_001204303.2); c.1987-12_1987-10del (NM_201414.3); c.2101-12_2101-10del (NM_001204302.2); c.2155-12_2155-10del (NM_201413.3); and 2 more.
Identifiers: ClinVar variation 453313 (VCV000453313.14), dbSNP rs753046287, ClinGen allele CA9987024.
Genomic context (GRCh38, chr21:25,881,780, plus strand): 5'-TCTGCTGCATCTTGGACAGGTGGCGCTCCTCTGGGGTGACAGCGGCGTCAACCTGAAAAA[CAAG>C]AGGAGAGCTGAGTAAAAAATAAAAATCAATCTTTTAAGGGTGAACATGGAGAAGCAGTAA-3'

ClinVar aggregate classification (germline): Likely benign. Review status: criteria provided, single submitter (1 of 4 stars). 2 submissions from 2 submitters: Likely benign (1). 1 of the submissions does not count toward it. Last evaluated 2025-12-15.

Conditions:
APP-related disorder. Also called: APP-related condition.
Alzheimer disease. Also called: Presenile and senile dementia; Alzheimer's disease. Identifiers: Orphanet 1020, MedGen C0002395, MeSH D000544, MONDO:0004975, HP:0002511.

Submissions (2):

Labcorp Genetics (formerly Invitae), Labcorp
Classification: Likely benign for Alzheimer disease. Last evaluated: 2025-12-15. Review status: criteria provided, single submitter. Criteria: Invitae Variant Classification Sherloc (09022015). Collection method: clinical testing. Allele origin: germline.

PreventionGenetics, part of Exact Sciences
Classification: Likely benign for APP-related condition. Last evaluated: 2019-12-18. Review status: no assertion criteria provided. Collection method: clinical testing. Allele origin: germline. Not counted in ClinVar's aggregate classification.
Comment: This variant is classified as likely benign based on ACMG/AMP sequence variant interpretation guidelines (Richards et al. 2015 PMID: 25741868, with internal and published modifications).